The following is an entry in ClinVar:

ClinVar aggregate classification (germline): Pathogenic. Review status: criteria provided, single submitter (1 of 4 stars). 3 submissions from 3 submitters: Pathogenic (1). 2 of the submissions do not count toward it. Last evaluated 2025-03-05.

Conditions:
Asphyxiating thoracic dystrophy 1 (SRTD1). Also called: SHORT-RIB THORACIC DYSPLASIA 1 WITH OR WITHOUT POLYDACTYLY. Identifiers: Orphanet 474, MedGen C4551856, MONDO:0008831, OMIM 208500.
Short-rib thoracic dysplasia 15 with polydactyly (SRTD15). Identifiers: MedGen C4310724, MONDO:0014907, OMIM 617088.

Allele frequency attached by ClinVar (database versions not stated): gnomAD 0.00001; TOPMed 0.00001; ExAC 0.00002; gnomAD exomes 0.00002; ESP Exome Variant Server 0.00008.

Submissions (4):

Labcorp Genetics (formerly Invitae), Labcorp
Classification: Pathogenic. Last evaluated: 2025-03-05. Review status: criteria provided, single submitter. Criteria: Invitae Variant Classification Sherloc (09022015). Collection method: clinical testing. Allele origin: germline.
Comment: This sequence change affects a donor splice site in intron 12 of the DYNC2LI1 gene. While this variant is not anticipated to result in nonsense mediated decay, it likely alters RNA splicing and results in a disrupted protein product. This variant is present in population databases (rs374356079, gnomAD 0.005%). Disruption of this splice site has been observed in individual(s) with short rib polydactyly syndrome (PMID: 26077881). In at least one individual the data is consistent with being in trans (on the opposite chromosome) from a pathogenic variant. ClinVar contains an entry for this variant (Variation ID: 212764). Studies have shown that disruption of this splice site alters DYNC2LI1 gene expression (PMID: 26077881). Variants that disrupt the consensus splice site are a relatively common cause of aberrant splicing (PMID: 17576681, 9536098). Studies have shown that disruption of this splice site is associated with altered splicing resulting in multiple RNA products (PMID: 26077881). For these reasons, this variant has been classified as Pathogenic.

OMIM
Classification: Pathogenic for SHORT-RIB THORACIC DYSPLASIA 15 WITH POLYDACTYLY. Last evaluated: 2015-06-16. Review status: no assertion criteria provided. Collection method: literature only. Allele origin: germline. Not counted in ClinVar's aggregate classification.

David Geffen School of Medicine, University of California, Los Angeles
Classification: Pathogenic for Short-rib thoracic dysplasia. Review status: no assertion criteria provided. Collection method: research. Allele origin: paternal. Affected: yes. Not counted in ClinVar's aggregate classification.

Dr. Peter K. Rogan Lab, Western University
No classification provided (evidence only). Condition: Papillary renal cell carcinoma type 1. Review status: no classification provided. Collection method: in vitro. Allele origin: not applicable. Functional consequence: skipped exon, retained intron. Not counted in ClinVar's aggregate classification.

Literature cited by the submitters: PubMed 26077881 (cited by 3 submitters); PubMed 17576681 (cited by Labcorp Genetics (formerly Invitae), Labcorp); PubMed 9536098 (cited by Labcorp Genetics (formerly Invitae), Labcorp).

NM_016008.4(DYNC2LI1):c.993+1G>A

Gene: DYNC2LI1 (dynein cytoplasmic 2 light intermediate chain 1; plus strand). Cytogenetic location: 2p21.
Variant type: single nucleotide variant.
Coding change: c.993+1G>A on transcript NM_016008.4 (MANE Select); the canonical splice donor site of the intron after coding-DNA position 993, G replaced by A.
Molecular consequence: splice donor variant.
Genome position (GRCh38, 1-based): chr2:43,805,247, G>A. VCF-style: chr2-43805247-G-A. GRCh37 (hg19) VCF-style: chr2-44032386-G-A.
Other names: IVS12DS, G-A, +1; c.996+1G>A (NM_001348913.2, NM_001193464.2); c.993+1G>A (NM_001348912.2).
Identifiers: ClinVar variation 212764 (VCV000212764.8), dbSNP rs374356079, ClinGen allele CA1636078.